The following is an entry in ClinVar:

ClinVar aggregate classification (germline): Likely benign (1 of 4 stars; one submission).

Allele frequency attached by ClinVar (database versions not stated): gnomAD 0.00001; ExAC 0.00007; gnomAD exomes 0.00002; TOPMed 0.00003.

Submission:

CeGaT Center for Human Genetics Tuebingen
Classification: Likely benign. Last evaluated: 2024-02-01. Review status: criteria provided, single submitter. Criteria: CeGaT Center For Human Genetics Tuebingen Variant Classification Criteria Version 2. Collection method: clinical testing. Allele origin: germline. Affected: yes. Observed: 1 variant allele.
Comment: SETD5: BP4, BP7

NM_001080517.3(SETD5):c.2724+45C>T

Gene: SETD5 (SET domain containing 5; plus strand). Cytogenetic location: 3p25.3.
Variant type: single nucleotide variant.
Coding change: c.2724+45C>T on transcript NM_001080517.3 (MANE Select); 45 bases into the intron after coding-DNA position 2724, C replaced by T.
Molecular consequence: intron variant.
Genome position (GRCh38, 1-based): chr3:9,464,717, C>T. VCF-style: chr3-9464717-C-T. GRCh37 (hg19) VCF-style: chr3-9506401-C-T.
Other names: c.2430+45C>T (NM_001349451.2, NM_001292043.2).
Identifiers: ClinVar variation 3027172 (VCV003027172.22), dbSNP rs745754699, ClinGen allele CA2239518.